The following is an entry in ClinVar:

NM_020778.4:c.248G>A

Gene: ALPK3 (alpha kinase 3; plus strand).
Variant type: single nucleotide variant.
Identifiers: ClinVar variation 4841955 (VCV004841955.1).

ClinVar aggregate classification (germline): Uncertain significance (1 of 4 stars; one submission).

Conditions:
Cardiovascular phenotype. Identifiers: MedGen CN230736.

Submission:

Ambry Genetics
Classification: Uncertain significance for Cardiovascular phenotype. Last evaluated: 2026-01-12. Review status: criteria provided, single submitter. Criteria: Ambry Variant Classification Scheme 2023. Collection method: clinical testing. Allele origin: germline.
Comment: The p.G83E variant (also known as c.248G>A), located in coding exon 1 of the ALPK3 gene, results from a G to A substitution at nucleotide position 248. The glycine at codon 83 is replaced by glutamic acid, an amino acid with similar properties. This amino acid position is conserved. In addition, this alteration is predicted to be tolerated by in silico analysis. Based on the available evidence, the clinical significance of this variant remains unclear.